The following is an entry in ClinVar:

NM_000350.3(ABCA4):c.4352+1G>A

Gene: ABCA4 (ATP binding cassette subfamily A member 4; minus strand). Cytogenetic location: 1p22.1.
Variant type: single nucleotide variant.
Coding change: c.4352+1G>A on transcript NM_000350.3 (MANE Select); the canonical splice donor site of the intron after coding-DNA position 4352, G replaced by A.
Molecular consequence: splice donor variant.
Genome position (GRCh38, 1-based): chr1:94,030,427, C>T on the plus strand (G>A on the coding strand, the complement: ABCA4 is on the minus strand). VCF-style: chr1-94030427-C-T. GRCh37 (hg19) VCF-style: chr1-94495983-C-T.
Identifiers: ClinVar variation 236113 (VCV000236113.15), dbSNP rs200967229, ClinGen allele CA957648.
Genomic context (GRCh38, chr1:94,030,427, plus strand): 5'-CCACCGTTGGGTCCTCCCAGGGGAGCTAGTCTTCTTAGGACAGGGGCGCGTAGGCACTTA[C>T]GGAAGCCACCCTTCCTTCAGGCAGCGGTTGCCAAAGCCTGGCTTATTCAGGAGGACGTCT-3'

ClinVar aggregate classification (germline): Pathogenic. Review status: reviewed by expert panel (3 of 4 stars). 11 submissions from 10 submitters: Pathogenic (1). 10 of the submissions do not count toward it. Last evaluated 2025-12-05.

Conditions:
ABCA4-related disorder. Also called: ABCA4-related condition; ABCA4-related disorders. Identifiers: MedGen CN239167.
Retinal dystrophy. Also called: Inherited retinal dystrophy. Identifiers: Orphanet 71862, MedGen C0854723, MeSH D058499, MONDO:0019118, HP:0000556.
Stargardt disease (FFM). Also called: Stargardt's disease; Fundus flavimaculatus. Identifiers: Orphanet 827, MedGen C0271093, MONDO:0019353.
Severe early-childhood-onset retinal dystrophy (STGD1). Also called: Stargardt macular dystrophy; Juvenile onset macular degeneration; Stargardt disease 1; STGD; MACULAR DYSTROPHY WITH FLECKS, TYPE 1. Identifiers: Orphanet 364055, Orphanet 827, MedGen C1855465, MeSH D000080362, MONDO:0009549, OMIM 248200.
ABCA4-related retinopathy. Also called: ABCA4-related retinoapthy; ABCA4 retinoapthy. Identifiers: MedGen CN322612, MONDO:0800406.

Allele frequency attached by ClinVar (database versions not stated): TOPMed below 0.00001; ExAC 0.00001; gnomAD 0.00001 and 0.00002; 1000 Genomes Project 0.00020; gnomAD exomes 0.00001; 1000 Genomes Project 30x 0.00016.
gnomAD v4.1: 8 of 1,614,160 alleles (0.0005%); highest among the groups gnomAD compares: African/African-American, 0.0027%; no homozygotes.

Submissions (11):

ClinGen ABCA4 Variant Curation Expert Panel, Clingen
Classification: Pathogenic for ABCA4-related retinopathy. Last evaluated: 2025-12-05. Review status: reviewed by expert panel. Criteria: ClinGen ABCA4 ACMG Specifications V1.0.0. Collection method: curation. Allele origin: germline. Inheritance: Autosomal recessive inheritance.
Comment: This variant occurs at a canonical splice site in intron 29 and is expected to disrupt splicing and trigger an exon-skipping event, thereby, introducing a premature stop codon that is predicted to lead to nonsense-mediated decay (PVS1). The total minor allele frequency in gnomAD v4.1.0 is 0.000004956 (8/1614160 alleles), which is lower than the ClinGen ABCA4 VCEP’s threshold for PM2_Supporting (<0.0001), meeting this criterion (PM2_Supporting). The prevalence of the variant in affected individuals is significantly increased compared with the prevalence in controls. The OR is 53.7 and the CI is 11.10 to 509.69, which is above the ABCA4 VCEP threshold of >3, where the CI does not contain 1 (PS4; PMID: 35120629). This variant has been detected in at least three individuals with ABCA4-related retinopathy, and each of them was compound heterozygous for the variant and a pathogenic variant, confirmed in trans by family segregation testing (PMID: 27014590, PM3_Strong). In summary, this variant meets the criteria to be classified as pathogenic for ABCA4-related retinopathy based on the ACMG/AMP criteria applied, as specified by the ClinGen ABCA4 VCEP (Specification Version 1): PVS1, PS4, PM3_Strong, PM2_Supporting.

PreventionGenetics, part of Exact Sciences
Classification: Pathogenic for ABCA4-related condition. Last evaluated: 2026-03-12. Review status: criteria provided, single submitter. Criteria: ACMG Guidelines, 2015. Collection method: clinical testing. Allele origin: germline. Not counted in ClinVar's aggregate classification.
Comment: The ABCA4 c.4352+1G>A variant is predicted to disrupt the GT donor site and interfere with normal splicing. This variant has been reported in individuals with Stargardt disease or ABCA4-related retinal disease (see for example: Ernest et al. 2009. PubMed ID: 20029649; Table S2, Weisschuh et al. 2020. PubMed ID: 32531858; Table S4, Liu et al. 2020. PubMed ID: 32845068). This variant has been shown to result in exon 29 skipping and is predicted to result in premature protein truncation (Schulz et al. 2017. PubMed ID: 28118664). This variant is reported in 0.0062% of alleles in individuals of African descent in gnomAD. Variants that disrupt the consensus splice donor site in ABCA4 are expected to be pathogenic. This variant is interpreted as pathogenic.

Labcorp Genetics (formerly Invitae), Labcorp
Classification: Pathogenic. Last evaluated: 2026-01-27. Review status: criteria provided, single submitter. Criteria: Invitae Variant Classification Sherloc (09022015). Collection method: clinical testing. Allele origin: germline. Not counted in ClinVar's aggregate classification.
Comment: This sequence change affects a donor splice site in intron 29 of the ABCA4 gene. RNA analysis indicates that disruption of this splice site induces altered splicing and likely results in a shortened protein product. This variant is present in population databases (rs200967229, gnomAD 0.007%). Disruption of this splice site has been observed in individuals with clinical features of Stargardt disease (PMID: 20029649, 28118664, 29854428). It has also been observed to segregate with disease in related individuals. ClinVar contains an entry for this variant (Variation ID: 236113). Studies have shown that disruption of this splice site results in skipping of exon 29, but is expected to preserve the integrity of the reading-frame (PMID: 28118664). For these reasons, this variant has been classified as Pathogenic.

Genomic Medicine Center of Excellence, King Faisal Specialist Hospital and Research Centre
Classification: Pathogenic for Severe early-childhood-onset retinal dystrophy. Last evaluated: 2025-09-10. Review status: criteria provided, single submitter. Criteria: ACMG Guidelines, 2015. Collection method: clinical testing. Allele origin: germline. Not counted in ClinVar's aggregate classification.

GeneDx
Classification: Pathogenic. Last evaluated: 2024-12-04. Review status: criteria provided, single submitter. Criteria: GeneDx Variant Classification Process June 2021. Collection method: clinical testing. Allele origin: germline. Affected: yes. Not counted in ClinVar's aggregate classification.
Comment: RNA studies demonstrate a damaging effect: in-frame loss of exon 29 (PMID: 28118664); In silico analysis supports a deleterious effect on splicing; This variant is associated with the following publications: (PMID: 35120629, 31964843, 36460718, 36819107, 34321860, 32531858, 34426522, 25525159, 20029649, 33090715, 38219857, 32845068, 23982839, 35170407, 27014590, 34347352, 23640508, 21911583, 33508977, 28118664, 31674661, 33781268, 33546218, 29854428)

Lab De Baere, Eye and Developmental Genetics Lab, Ghent University
Classification: Pathogenic for Stargardt disease. Last evaluated: 2024-10-01. Review status: criteria provided, single submitter. Criteria: ACMG Guidelines, 2015. Collection method: research. Allele origin: inherited. Affected: yes. Observed: 1 variant allele. Not counted in ClinVar's aggregate classification.
Comment: ACMG/AMP guidelines: PM2, PP4_PP, PP3, PP1, PM3_PVS

Dept Of Ophthalmology, Nagoya University
Classification: Likely pathogenic for Retinal dystrophy. Last evaluated: 2023-10-01. Review status: criteria provided, single submitter. Criteria: Submitter's publication. Collection method: research. Allele origin: germline. Affected: yes. Not counted in ClinVar's aggregate classification.

Blueprint Genetics
Classification: Pathogenic for ABCA4-related disorders. Last evaluated: 2023-02-03. Review status: criteria provided, single submitter. Criteria: ACMG Guidelines, 2015. Collection method: clinical testing. Allele origin: germline. Affected: yes. Observed: 5 variant alleles. Not counted in ClinVar's aggregate classification.

Institute of Medical Molecular Genetics, University of Zurich
Classification: Likely pathogenic for Severe early-childhood-onset retinal dystrophy. Last evaluated: 2021-01-30. Review status: criteria provided, single submitter. Criteria: ACMG Guidelines, 2015. Collection method: clinical testing. Allele origin: unknown. Affected: yes. Not counted in ClinVar's aggregate classification.

Institute of Human Genetics, Univ. Regensburg, Univ. Regensburg
Classification: Pathogenic for Retinal dystrophy. Last evaluated: 2019-01-01. Review status: criteria provided, single submitter. Criteria: ACMG Guidelines, 2015. Collection method: clinical testing. Allele origin: germline. Affected: yes. Not counted in ClinVar's aggregate classification.

Institute of Human Genetics, Univ. Regensburg, Univ. Regensburg
Classification: Pathogenic for Severe early-childhood-onset retinal dystrophy. Last evaluated: 2016-01-01. Review status: criteria provided, single submitter. Criteria: Schulz et al. (Invest Ophthalmol Vis Sci. 2017). Collection method: clinical testing, in vitro. Allele origin: germline, unknown. Affected: yes. Observed: 1 heterozygote. Functional consequence: sequence_variant_affecting_splicing. Not counted in ClinVar's aggregate classification.

Literature cited by the submitters: PubMed 20029649 (cited by Labcorp Genetics (formerly Invitae), Labcorp and Institute of Human Genetics, Univ. Regensburg, Univ. Regensburg); PubMed 28118664 (cited by Labcorp Genetics (formerly Invitae), Labcorp and Institute of Human Genetics, Univ. Regensburg, Univ. Regensburg); PubMed 29854428 (cited by Labcorp Genetics (formerly Invitae), Labcorp); PubMed 25525159 (cited by Institute of Human Genetics, Univ. Regensburg, Univ. Regensburg); PubMed 31964843 (cited by Institute of Human Genetics, Univ. Regensburg, Univ. Regensburg); PubMed 33090715 (cited by Institute of Human Genetics, Univ. Regensburg, Univ. Regensburg); PubMed 32845068 (cited by Institute of Human Genetics, Univ. Regensburg, Univ. Regensburg); PubMed 32531858 (cited by Institute of Human Genetics, Univ. Regensburg, Univ. Regensburg); PubMed 33781268 (cited by Institute of Human Genetics, Univ. Regensburg, Univ. Regensburg); PubMed 34426522 (cited by Institute of Human Genetics, Univ. Regensburg, Univ. Regensburg); PubMed 36460718 (cited by Institute of Human Genetics, Univ. Regensburg, Univ. Regensburg); PubMed 36819107 (cited by Institute of Human Genetics, Univ. Regensburg, Univ. Regensburg).